The following is an entry in ClinVar:

NC_000017.10:g.(?_6526182)_(6599280_?)del

Genes: C17orf100 (chromosome 17 open reading frame 100; plus strand), KIAA0753 (KIAA0753; minus strand), MED31 (mediator complex subunit 31; minus strand), SLC13A5 (solute carrier family 13 member 5; minus strand), TXNDC17 (thioredoxin domain containing 17; plus strand). Cytogenetic location: 17p13.1.
Variant type: Deletion.
Identifiers: ClinVar variation 3243183 (VCV003243183.1).

ClinVar aggregate classification (germline): Pathogenic (1 of 4 stars; one submission).

Submission:

Labcorp Genetics (formerly Invitae), Labcorp
Classification: Pathogenic. Last evaluated: 2023-08-15. Review status: criteria provided, single submitter. Criteria: Invitae Variant Classification Sherloc (09022015). Collection method: clinical testing. Allele origin: unknown.
Comment: This variant is a gross deletion of the genomic region encompassing exon(s) 1-6 of the KIAA0753 gene, which includes the initiator codon. This deletion extends beyond the assayed region for this gene and therefore may encompass additional genes. It is expected to result in an absent or disrupted protein product. Loss-of-function variants in KIAA0753 are known to be pathogenic (PMID: 29138412). This variant has not been reported in the literature in individuals affected with KIAA0753-related conditions. For these reasons, this variant has been classified as Pathogenic.

Literature cited by the submitters: PubMed 29138412.